The following is an entry in ClinVar:

ClinVar aggregate classification (germline): Uncertain significance (1 of 4 stars; one submission).

Submission:

Labcorp Genetics (formerly Invitae), Labcorp
Classification: Uncertain significance. Last evaluated: 2025-12-23. Review status: criteria provided, single submitter. Criteria: Invitae Variant Classification Sherloc (09022015). Collection method: clinical testing. Allele origin: germline.
Comment: This sequence change affects a donor splice site in intron 5 of the POLE2 gene. It is expected to disrupt RNA splicing. Variants that disrupt the donor or acceptor splice site typically lead to a loss of protein function (PMID: 16199547), however the current clinical and genetic evidence is not sufficient to establish whether loss-of-function variants in POLE2 cause disease. This variant is not present in population databases (gnomAD no frequency). This variant has not been reported in the literature in individuals affected with POLE2-related conditions. Algorithms developed to predict the effect of sequence changes on RNA splicing suggest that this variant may disrupt the consensus splice site. In summary, the available evidence is currently insufficient to determine the role of this variant in disease. Therefore, it has been classified as a Variant of Uncertain Significance.

Literature cited by the submitters: PubMed 16199547.

NM_002692.4(POLE2):c.417+1G>A

Gene: POLE2 (DNA polymerase epsilon 2, accessory subunit; minus strand). Cytogenetic location: 14q21.3.
Variant type: single nucleotide variant.
Coding change: c.417+1G>A on transcript NM_002692.4 (MANE Select); the canonical splice donor site of the intron after coding-DNA position 417, G replaced by A.
Molecular consequence: splice donor variant.
Genome position (GRCh38, 1-based): chr14:49,674,122, C>T on the plus strand (G>A on the coding strand, the complement: POLE2 is on the minus strand). VCF-style: chr14-49674122-C-T. GRCh37 (hg19) VCF-style: chr14-50140840-C-T.
Other names: c.339+1G>A (NM_001197330.2); c.417+1G>A (NM_001348384.2, NM_001197331.3); c.186+1G>A (NM_001348385.2).
Identifiers: ClinVar variation 4770552 (VCV004770552.1).